The following is an entry in ClinVar:

ClinVar aggregate classification (germline): Uncertain significance (1 of 4 stars; one submission).

Conditions:
Catecholaminergic polymorphic ventricular tachycardia 1. Also called: VENTRICULAR TACHYCARDIA, CATECHOLAMINERGIC POLYMORPHIC, 1, WITH OR WITHOUT ATRIAL DYSFUNCTION AND/OR DILATED CARDIOMYOPATHY; VENTRICULAR TACHYCARDIA, STRESS-INDUCED POLYMORPHIC 1; RYR2-Related Catecholaminergic Polymorphic Ventricular Tachycardia. Identifiers: Orphanet 3286, MedGen C1631597, MONDO:0011484, OMIM 604772.

Submission:

Labcorp Genetics (formerly Invitae), Labcorp
Classification: Uncertain significance for Catecholaminergic polymorphic ventricular tachycardia 1. Last evaluated: 2022-09-12. Review status: criteria provided, single submitter. Criteria: Invitae Variant Classification Sherloc (09022015). Collection method: clinical testing. Allele origin: germline.
Comment: In summary, the available evidence is currently insufficient to determine the role of this variant in disease. Therefore, it has been classified as a Variant of Uncertain Significance. Variants that disrupt the consensus splice site are a relatively common cause of aberrant splicing (PMID: 17576681, 9536098). Algorithms developed to predict the effect of sequence changes on RNA splicing suggest that this variant may create or strengthen a splice site. ClinVar contains an entry for this variant (Variation ID: 844154). This variant has not been reported in the literature in individuals affected with RYR2-related conditions. This variant is not present in population databases (gnomAD no frequency). This sequence change falls in intron 59 of the RYR2 gene. It does not directly change the encoded amino acid sequence of the RYR2 protein. It affects a nucleotide within the consensus splice site.

Literature cited by the submitters: PubMed 17576681; PubMed 9536098.

NM_001035.3(RYR2):c.8714+6A>G

Gene: RYR2 (ryanodine receptor 2; plus strand). Cytogenetic location: 1q43.
Variant type: single nucleotide variant.
Coding change: c.8714+6A>G on transcript NM_001035.3 (MANE Select); 6 bases into the intron after coding-DNA position 8714, A replaced by G.
Molecular consequence: intron variant.
Genome position (GRCh38, 1-based): chr1:237,674,225, A>G. VCF-style: chr1-237674225-A-G. GRCh37 (hg19) VCF-style: chr1-237837525-A-G.
Identifiers: ClinVar variation 844154 (VCV000844154.11), dbSNP rs1573463852, ClinGen allele CA916082163.